The following is an entry in ClinVar:

NM_001374385.1(ATP8B1):c.531G>A (p.Thr177=)

Gene: ATP8B1 (ATPase phospholipid transporting 8B1; minus strand). Cytogenetic location: 18q21.31.
Variant type: single nucleotide variant.
Coding change: c.531G>A on transcript NM_001374385.1 (MANE Select); coding-DNA position 531, G replaced by A.
Protein change: p.Thr177=; no amino-acid change (threonine 177 retained).
Molecular consequence: synonymous variant.
Genome position (GRCh38, 1-based): chr18:57,701,062, C>T on the plus strand (G>A on the coding strand, the complement: ATP8B1 is on the minus strand). VCF-style: chr18-57701062-C-T. GRCh37 (hg19) VCF-style: chr18-55368294-C-T.
Other names: c.381G>A, p.Thr127= (NM_001374386.1); c.531G>A, p.Thr177= (NM_005603.6).
Identifiers: ClinVar variation 2987002 (VCV002987002.4), dbSNP rs765585981, ClinGen allele CA8974817.

ClinVar aggregate classification (germline): Likely benign. Review status: criteria provided, multiple submitters, no conflicts (2 of 4 stars). 2 submissions from 2 submitters: Likely benign (2). Last evaluated 2026-04-14.

Conditions:
Familial intrahepatic cholestasis. Identifiers: Orphanet 284385, MedGen CN296401, MONDO:0017290.

Allele frequency attached by ClinVar (database versions not stated): TOPMed below 0.00001; gnomAD 0.00001; ExAC 0.00002; gnomAD exomes 0.00002.
gnomAD v4.1: 34 of 1,614,030 alleles (0.0021%); highest among the groups gnomAD compares: South Asian, 0.03%; no homozygotes.

Submissions (2):

Genomenon, Inc
Classification: Likely benign for Familial intrahepatic cholestasis. Last evaluated: 2026-04-14. Review status: criteria provided, single submitter. Criteria: Genomenon Sequence Variant Interpretation Standards - Updated. Collection method: curation. Allele origin: germline. Affected: yes.
Comment: ATP8B1 c.531G>A is a synonymous variant that retains Threonine at residue 177. This variant has been observed in at least one proband with features of ATP8B1-deficiency (PMID:15239083). It is absent or not present at a significant frequency in gnomAD. This synonymous variant is not predicted to impact splicing. In conclusion, we classify ATP8B1 p.Thr177= (c.531G>A) as a likely benign variant.

Labcorp Genetics (formerly Invitae), Labcorp
Classification: Likely benign. Last evaluated: 2024-02-09. Review status: criteria provided, single submitter. Criteria: Invitae Variant Classification Sherloc (09022015). Collection method: clinical testing. Allele origin: germline.

Literature cited by the submitters: PubMed 15239083 (cited by Genomenon, Inc).